The following is an entry in ClinVar:

NM_007194.4(CHEK2):c.1627T>G (p.Leu543Val)

Gene: CHEK2 (checkpoint kinase 2; minus strand). Cytogenetic location: 22q12.1.
Variant type: single nucleotide variant.
Coding change: c.1627T>G on transcript NM_007194.4 (MANE Select); coding-DNA position 1627, T replaced by G.
Protein change: p.Leu543Val; replaces leucine 543 with valine.
Molecular consequence: missense variant.
Genome position (GRCh38, 1-based): chr22:28,687,902, A>C on the plus strand (T>G on the coding strand, the complement: CHEK2 is on the minus strand). VCF-style: chr22-28687902-A-C. GRCh37 (hg19) VCF-style: chr22-29083890-A-C.
Other names: c.1756T>G, p.Leu586Val (NM_001005735.3); c.964T>G, p.Leu322Val (NM_001257387.3); c.1426T>G, p.Leu476Val (NM_001349956.3); c.1540T>G, p.Leu514Val (NM_145862.3); short protein forms L322V, L476V, L586V, L514V, L543V.
Identifiers: ClinVar variation 945806 (VCV000945806.10), dbSNP rs2052179967, ClinGen allele CA411090966.

ClinVar aggregate classification (germline): Uncertain significance (1 of 4 stars; one submission).

Conditions:
Familial cancer of breast. Also called: hereditary breast carcinoma; BREAST CANCER, FAMILIAL; Hereditary breast cancer. Identifiers: Orphanet 227535, MedGen C0346153, MONDO:0016419, OMIM 114480. Disease mechanism: loss of function.

Submission:

Labcorp Genetics (formerly Invitae), Labcorp
Classification: Uncertain significance for Familial cancer of breast. Last evaluated: 2019-04-06. Review status: criteria provided, single submitter. Criteria: Invitae Variant Classification Sherloc (09022015). Collection method: clinical testing. Allele origin: germline.
Comment: This sequence change replaces leucine with valine at codon 543 of the CHEK2 protein (p.Leu543Val). The leucine residue is weakly conserved and there is a small physicochemical difference between leucine and valine. This variant is not present in population databases (ExAC no frequency). This variant has not been reported in the literature in individuals with CHEK2-related conditions. Algorithms developed to predict the effect of missense changes on protein structure and function output the following: SIFT: "Tolerated"; PolyPhen-2: "Benign"; Align-GVGD: "Class C0". The valine amino acid residue is found in multiple mammalian species, suggesting that this missense change does not adversely affect protein function. These predictions have not been confirmed by published functional studies and their clinical significance is uncertain. In summary, the available evidence is currently insufficient to determine the role of this variant in disease. Therefore, it has been classified as a Variant of Uncertain Significance.